The following is an entry in ClinVar:

ClinVar aggregate classification (germline): Uncertain significance (1 of 4 stars; one submission).

Submission:

Ambry Genetics
Classification: Uncertain significance. Last evaluated: 2026-02-16. Review status: criteria provided, single submitter. Criteria: Ambry Variant Classification Scheme 2023. Collection method: clinical testing. Allele origin: germline.
Comment: The p.H1307P variant (also known as c.3920A>C), located in coding exon 18 of the WNK2 gene, results from an A to C substitution at nucleotide position 3920. The histidine at codon 1307 is replaced by proline, an amino acid with similar properties. This amino acid position is conserved. In addition, this alteration is predicted to be deleterious by in silico analysis. Based on the available evidence, the clinical significance of this variant remains unclear.

NM_006648.4(WNK2):c.3920A>C (p.His1307Pro)

Gene: WNK2 (WNK lysine deficient protein kinase 2; plus strand). Cytogenetic location: 9q22.31.
Variant type: single nucleotide variant.
Coding change: c.3920A>C on transcript NM_006648.4 (MANE Select); coding-DNA position 3920, A replaced by C.
Protein change: p.His1307Pro; replaces histidine 1307 with proline.
Molecular consequence: missense variant.
Genome position (GRCh38, 1-based): chr9:93,268,633, A>C. VCF-style: chr9-93268633-A-C. GRCh37 (hg19) VCF-style: chr9-96030915-A-C.
Other names: c.3920A>C, p.His1307Pro (NM_001282394.3); short protein forms H1307P.
Identifiers: ClinVar variation 4844903 (VCV004844903.1).